The following is an entry in ClinVar:

NM_005216.5(DDOST):c.265+12G>A

Gene: DDOST (dolichyl-diphosphooligosaccharide--protein glycosyltransferase non-catalytic subunit; minus strand). Cytogenetic location: 1p36.12.
Variant type: single nucleotide variant.
Coding change: c.265+12G>A on transcript NM_005216.5 (MANE Select); 12 bases into the intron after coding-DNA position 265, G replaced by A.
Molecular consequence: intron variant.
Genome position (GRCh38, 1-based): chr1:20,660,869, C>T on the plus strand (G>A on the coding strand, the complement: DDOST is on the minus strand). VCF-style: chr1-20660869-C-T. GRCh37 (hg19) VCF-style: chr1-20987362-C-T.
Identifiers: ClinVar variation 390262 (VCV000390262.1), dbSNP rs1057523700, ClinGen allele CA16603557.
Genomic context (GRCh38, chr1:20,660,869, plus strand): 5'-GAACCAGAAGAAAGCAATCCATCAAGTCCCGGGTCTCGAATTCCAGTGCTAGGGGCGACG[C>T]GGAACCCTTACCTTCTACCGAAGGGGAGAAAATGATGAGATTGTCATAGAGGAATTCCCC-3'

ClinVar aggregate classification (germline): Likely benign (1 of 4 stars; one submission).

gnomAD v4.1: 3 of 1,528,776 alleles (0.0002%); highest among the groups gnomAD compares: Non-Finnish European, 0.00018%; no homozygotes.

Submission:

GeneDx
Classification: Likely benign. Last evaluated: 2016-11-03. Review status: criteria provided, single submitter. Criteria: GeneDx Variant Classification (06012015). Collection method: clinical testing. Allele origin: germline. Affected: yes.
Comment: This variant is considered likely benign or benign based on one or more of the following criteria: it is a conservative change, it occurs at a poorly conserved position in the protein, it is predicted to be benign by multiple in silico algorithms, and/or has population frequency not consistent with disease.